The following is an entry in ClinVar:

ClinVar aggregate classification (germline): Likely pathogenic (1 of 4 stars; one submission).

Conditions:
Familial thoracic aortic aneurysm and aortic dissection (TAAD). Also called: Thoracic aortic aneurysms and dissections. Identifiers: Orphanet 91387, MedGen C4707243, MONDO:0019625.

Submission:

CHEO Genetics Diagnostic Laboratory, Children's Hospital of Eastern Ontario
Classification: Likely pathogenic for Familial thoracic aortic aneurysm and aortic dissection. Last evaluated: 2025-03-07. Review status: criteria provided, single submitter. Criteria: ACMG Guidelines, 2015. Collection method: clinical testing. Allele origin: germline. Inheritance: Autosomal dominant inheritance. Affected: yes.
Comment: The c.221G>T variant in SMAD3 causes an amino acid substitution, which replaces arginine with leucine at position 74. It has not been previously reported in the literature, ClinVar, nor in any presumed healthy individuals in the Genome Aggregation Database (gnomAD). Different missense variants affecting the same residue, p.Arg74Trp and p.Arg74Gln, have been previously reported in apparently unrelated individuals with familial thoracic aortic aneurysm and aortic dissection/LDS. The Arg74 residue is highly conserved across evolutionarily distant species. In silico analysis programs (SIFT, PolyPhen-2, Mutation Taster) predict this variant to have an impact on the protein function. The constraint z-score for missense variants affecting SMAD3 is 3.48 in gnomAD v2.1.1, which is supporting evidence for pathogenicity. Based on these findings, and the patient's phenotype, we classify this variant as likely pathogenic

NM_005902.4(SMAD3):c.221G>T (p.Arg74Leu)

Gene: SMAD3 (SMAD family member 3; plus strand). Cytogenetic location: 15q22.33.
Variant type: single nucleotide variant.
Coding change: c.221G>T on transcript NM_005902.4 (MANE Select); coding-DNA position 221, G replaced by T.
Protein change: p.Arg74Leu; replaces arginine 74 with leucine.
Molecular consequence: missense variant. On other transcripts: 5 prime UTR variant (3).
Genome position (GRCh38, 1-based): chr15:67,164,909, G>T. VCF-style: chr15-67164909-G-T. GRCh37 (hg19) VCF-style: chr15-67457247-G-T.
Other names: c.-95G>T (NM_001145102.2, NM_001407015.1, NM_001407016.1); c.89G>T, p.Arg30Leu (NM_001145103.2); c.221G>T, p.Arg74Leu (NM_001407011.1, NM_001407012.1, NM_001407013.1); c.74G>T, p.Arg25Leu (NM_001407014.1); short protein forms R25L, R30L, R74L.
Identifiers: ClinVar variation 3772693 (VCV003772693.1).